The following is an entry in ClinVar:

ClinVar aggregate classification (germline): Pathogenic (1 of 4 stars; one submission).

Conditions:
Congenital disorder of deglycosylation (CDDG). Identifiers: MedGen C3808991, MONDO:0031376.

Submission:

Labcorp Genetics (formerly Invitae), Labcorp
Classification: Pathogenic for Congenital disorder of deglycosylation. Last evaluated: 2023-11-08. Review status: criteria provided, single submitter. Criteria: Invitae Variant Classification Sherloc (09022015). Collection method: clinical testing. Allele origin: germline.
Comment: This sequence change creates a premature translational stop signal (p.Asp597Valfs*20) in the NGLY1 gene. While this is not anticipated to result in nonsense mediated decay, it is expected to disrupt the last 58 amino acid(s) of the NGLY1 protein. This variant is not present in population databases (gnomAD no frequency). This variant has not been reported in the literature in individuals affected with NGLY1-related conditions. Algorithms developed to predict the effect of sequence changes on RNA splicing suggest that this variant may disrupt the consensus splice site. This variant disrupts a region of the NGLY1 protein in which other variant(s) (p.Gln631Serfs*7) have been determined to be pathogenic (PMID: 24651605, 25900930, 30740912). This suggests that this is a clinically significant region of the protein, and that variants that disrupt it are likely to be disease-causing. For these reasons, this variant has been classified as Pathogenic.

Literature cited by the submitters: PubMed 24651605; PubMed 25900930; PubMed 30740912.

NC_000003.12:g.25719635_25719641del

Gene: NGLY1 (N-glycanase 1; minus strand). Cytogenetic location: 3p24.2.
Variant type: Deletion.
Genome position: GRCh38 VCF-style: chr3-25719628-ACTGTTAT-A. GRCh37 (hg19) VCF-style: chr3-25761119-ACTGTTAT-A.
Identifiers: ClinVar variation 2694330 (VCV002694330.3), ClinGen allele CA2018007625.
Genomic context (GRCh38, chr3:25,719,628, plus strand): 5'-GCTTAATTCTGCTTCCAAAATAACTTCAGTGGCACCAGAAAAATCAGCATAGGAGTGAAG[ACTGTTAT>A]CTGTTAGAGGGAAAAAAAAAATTAACATTTTGCTTTTGGTAATTTAAAGAGCACAGATCA-3'